The following is an entry in ClinVar:

NM_000051.4(ATM):c.376_382del (p.Met125_Asp126insTer)

Gene: ATM (ATM serine/threonine kinase; plus strand). Cytogenetic location: 11q22.3.
Variant type: Deletion.
Coding change: c.376_382del on transcript NM_000051.4 (MANE Select); coding-DNA positions 376 to 382, 7 bases deleted (GATACAG; older notation c.376_382delGATACAG).
Protein change: p.Met125_Asp126insTer.
Molecular consequence: nonsense.
Genome position (GRCh38, 1-based): chr11:108,235,714-108,235,720, GATACAG deleted; deleting any 7 consecutive bases within chr11:108,235,713-108,235,720 gives the same sequence; the c. name uses the placement nearest the transcript's 3' end. VCF-style (leftmost placement, unchanged base first): chr11-108235712-TGGATACA-T. GRCh37 (hg19) VCF-style: chr11-108106439-TGGATACA-T.
Other names: c.376_382del, p.Met125_Asp126insTer (NM_001351834.2).
Identifiers: ClinVar variation 824171 (VCV000824171.4), dbSNP rs1591474736, ClinGen allele CA915947712.
Genomic context (GRCh38, chr11:108,235,712, plus strand): 5'-TTGTTTATTTTGAAATAGGAGCACCTAGGCTAAAATGTCAAGAACTCTTAAATTATATCA[TGGATACA>T]GTGAAAGATTCATCTAATGGTGCTATTTACGGAGCTGATTGTAGCAACATACTACTCAAA-3'

ClinVar aggregate classification (germline): Pathogenic (1 of 4 stars; one submission).

Conditions:
Hereditary cancer-predisposing syndrome. Also called: Neoplastic Syndromes, Hereditary; Tumor predisposition; Hereditary neoplastic syndrome; Hereditary Cancer Syndrome. Identifiers: Orphanet 140162, MedGen C0027672, MeSH D009386, MONDO:0015356.

Submission:

Ambry Genetics
Classification: Pathogenic for Hereditary cancer-predisposing syndrome. Last evaluated: 2018-12-31. Review status: criteria provided, single submitter. Criteria: Ambry Variant Classification Scheme 2023. Collection method: clinical testing. Allele origin: germline.
Comment: The c.376_382delGATACAG pathogenic mutation, located in coding exon 4 of the ATM gene, results from a deletion of 7 nucleotides at nucleotide positions 376 to 382, leading to a stop codon at amino acid position 126 (p.D126*). This alteration is expected to result in loss of function by premature protein truncation or nonsense-mediated mRNA decay. As such, this alteration is interpreted as a disease-causing mutation.